The following is an entry in ClinVar:

Single allele

Genes: CDRT15 (CMT1A duplicated region transcript 15; minus strand), CDRT3 (CMT1A duplicated region transcript 3; minus strand), CDRT4 (CMT1A duplicated region transcript 4; minus strand), CDRT7 (CMT1A duplicated region transcript 7; plus strand), CDRT8 (CMT1A duplicated region transcript 8; minus strand) and 24 more. Cytogenetic location: 17p12.
Variant type: Duplication.
Identifiers: ClinVar variation 4820244 (VCV004820244.1).

ClinVar aggregate classification (germline): Pathogenic (1 of 4 stars; one submission).

Conditions:
Charcot-Marie-Tooth disease, type IA (CMT1A). Also called: CHARCOT-MARIE-TOOTH DISEASE, DEMYELINATING, TYPE 1A; CHARCOT-MARIE-TOOTH DISEASE, AUTOSOMAL DOMINANT, WITH FOCALLY FOLDED MYELIN SHEATHS, TYPE 1A; CHARCOT-MARIE-TOOTH NEUROPATHY, TYPE 1A; HEREDITARY MOTOR AND SENSORY NEUROPATHY IA; Charcot-Marie-Tooth disease type 1A; CMT 1A. Identifiers: Orphanet 101081, MedGen C0270911, MONDO:0007309, OMIM 118220.

Submission:

Mendelics
Classification: Pathogenic for Charcot-Marie-Tooth disease, type IA. Last evaluated: 2026-03-28. Review status: criteria provided, single submitter. Criteria: ACMG Guidelines, 2015. Collection method: clinical testing. Allele origin: unknown.
Comment: Duplication of PMP22.